The following is an entry in ClinVar:

ClinVar aggregate classification (germline): Pathogenic. Review status: criteria provided, multiple submitters, no conflicts (2 of 4 stars). 3 submissions from 3 submitters: Pathogenic (3). Last evaluated 2023-11-14.

Conditions:
Kabuki syndrome. Also called: NIIKAWA-KUROKI SYNDROME; Kabuki make-up syndrome. Identifiers: Orphanet 2322, MedGen C0796004, MONDO:0016512.

Submissions (3):

GeneDx
Classification: Pathogenic. Last evaluated: 2023-11-14. Review status: criteria provided, single submitter. Criteria: GeneDx Variant Classification Process June 2021. Collection method: clinical testing. Allele origin: germline. Affected: yes.
Comment: Nonsense variant predicted to result in protein truncation or nonsense mediated decay in a gene for which loss-of-function is a known mechanism of disease; Not observed at significant frequency in large population cohorts (gnomAD); This variant is associated with the following publications: (PMID: 25525159, 34246755, 32803813, 20711175)

Labcorp Genetics (formerly Invitae), Labcorp
Classification: Pathogenic for Kabuki syndrome. Last evaluated: 2022-02-04. Review status: criteria provided, single submitter. Criteria: Invitae Variant Classification Sherloc (09022015). Collection method: clinical testing. Allele origin: germline.
Comment: This variant is not present in population databases (gnomAD no frequency). For these reasons, this variant has been classified as Pathogenic. Algorithms developed to predict the effect of sequence changes on RNA splicing suggest that this variant may create or strengthen a splice site. ClinVar contains an entry for this variant (Variation ID: 1012608). This premature translational stop signal has been observed in individual(s) with Kabuki syndrome (PMID: 20711175). This sequence change creates a premature translational stop signal (p.Arg1615*) in the KMT2D gene. It is expected to result in an absent or disrupted protein product. Loss-of-function variants in KMT2D are known to be pathogenic (PMID: 22126750).

CeGaT Center for Human Genetics Tuebingen
Classification: Pathogenic. Last evaluated: 2020-08-01. Review status: criteria provided, single submitter. Criteria: CeGaT Center For Human Genetics Tuebingen Variant Classification Criteria Version 2. Collection method: clinical testing. Allele origin: germline. Affected: yes. Observed: 1 variant allele.

Literature cited by the submitters: PubMed 20711175 (cited by Labcorp Genetics (formerly Invitae), Labcorp); PubMed 22126750 (cited by Labcorp Genetics (formerly Invitae), Labcorp).

NM_003482.4(KMT2D):c.4843C>T (p.Arg1615Ter)

Gene: KMT2D (lysine methyltransferase 2D; minus strand). Cytogenetic location: 12q13.12.
Variant type: single nucleotide variant.
Coding change: c.4843C>T on transcript NM_003482.4 (MANE Select); coding-DNA position 4843, C replaced by T.
Protein change: p.Arg1615Ter; replaces arginine 1615 with a stop codon.
Molecular consequence: nonsense.
Genome position (GRCh38, 1-based): chr12:49,044,864, G>A on the plus strand (C>T on the coding strand, the complement: KMT2D is on the minus strand). VCF-style: chr12-49044864-G-A. GRCh37 (hg19) VCF-style: chr12-49438647-G-A.
Other names: short protein forms R1615*.
Identifiers: ClinVar variation 1012608 (VCV001012608.45), dbSNP rs1943714221, ClinGen allele CA384640591.